The following is an entry in ClinVar:

NM_000349.3(STAR):c.306+1del

Gene: STAR (steroidogenic acute regulatory protein; minus strand). Cytogenetic location: 8p11.23.
Variant type: Deletion.
Coding change: c.306+1del on transcript NM_000349.3 (MANE Select); the canonical splice donor site of the intron after coding-DNA position 306, one base deleted (G; older notation c.306+1delG).
Molecular consequence: splice donor variant.
Genome position (GRCh38, 1-based): chr8:38,148,199, C deleted on the plus strand (G on the coding strand, the reverse complement: STAR is on the minus strand); the first of 2 consecutive C bases (chr8:38,148,199-38,148,200); deleting either gives the same sequence. VCF-style (leftmost placement, unchanged base first): chr8-38148198-AC-A. GRCh37 (hg19) VCF-style: chr8-38005716-AC-A.
Identifiers: ClinVar variation 3000732 (VCV003000732.3), dbSNP rs2487067183, ClinGen allele CA2740094988.

ClinVar aggregate classification (germline): Pathogenic (1 of 4 stars; one submission).

Submission:

Labcorp Genetics (formerly Invitae), Labcorp
Classification: Pathogenic. Last evaluated: 2023-05-20. Review status: criteria provided, single submitter. Criteria: Invitae Variant Classification Sherloc (09022015). Collection method: clinical testing. Allele origin: germline.
Comment: For these reasons, this variant has been classified as Pathogenic. Algorithms developed to predict the effect of sequence changes on RNA splicing suggest that this variant may disrupt the consensus splice site. This variant is also known as c.306+1del. This variant has not been reported in the literature in individuals affected with STAR-related conditions. This variant is not present in population databases (gnomAD no frequency). This sequence change creates a premature translational stop signal (p.Asp103Thrfs*6) in the STAR gene. It is expected to result in an absent or disrupted protein product. Loss-of-function variants in STAR are known to be pathogenic (PMID: 8948562).

Literature cited by the submitters: PubMed 8948562.